The following is an entry in ClinVar:

ClinVar aggregate classification (germline): Likely benign (1 of 4 stars; one submission).

Allele frequency attached by ClinVar (database versions not stated): gnomAD exomes below 0.00001.

Submission:

Laboratory for Molecular Medicine, Mass General Brigham Personalized Medicine
Classification: Likely benign. Last evaluated: 2013-09-13. Review status: criteria provided, single submitter. Criteria: LMM Criteria. Collection method: clinical testing. Allele origin: germline. Observed: 1 variant allele.
Comment: Gly227Gly in exon 5 of TMPO: This variant is not expected to have clinical signi ficance because it does not alter an amino acid residue and is not located withi n the splice consensus sequence.

NM_001032283.3(TMPO):c.681A>G (p.Gly227=)

Gene: TMPO (thymopoietin; plus strand). Cytogenetic location: 12q23.1.
Variant type: single nucleotide variant.
Coding change: c.681A>G on transcript NM_001032283.3 (MANE Select); coding-DNA position 681, A replaced by G.
Protein change: p.Gly227=; no amino-acid change (glycine 227 retained).
Molecular consequence: synonymous variant. On other transcripts: intron variant (2).
Genome position (GRCh38, 1-based): chr12:98,544,247, A>G. VCF-style: chr12-98544247-A-G. GRCh37 (hg19) VCF-style: chr12-98938025-A-G.
Other names: c.664-195A>G (NM_001307975.2); c.664-2112A>G (NM_001032284.3).
Identifiers: ClinVar variation 179241 (VCV000179241.5), dbSNP rs727504733, ClinGen allele CA184033.